The following is an entry in ClinVar:

NM_006231.4(POLE):c.1062C>G (p.Thr354=)

Gene: POLE (DNA polymerase epsilon, catalytic subunit; minus strand). Cytogenetic location: 12q24.33.
Variant type: single nucleotide variant.
Coding change: c.1062C>G on transcript NM_006231.4 (MANE Select); coding-DNA position 1062, C replaced by G.
Protein change: p.Thr354=; no amino-acid change (threonine 354 retained).
Molecular consequence: synonymous variant.
Genome position (GRCh38, 1-based): chr12:132,675,779, G>C on the plus strand (C>G on the coding strand, the complement: POLE is on the minus strand). VCF-style: chr12-132675779-G-C. GRCh37 (hg19) VCF-style: chr12-133252365-G-C.
Identifiers: ClinVar variation 413536 (VCV000413536.19), dbSNP rs145245295, ClinGen allele CA6894094.

ClinVar aggregate classification (germline): Benign/Likely benign. Review status: criteria provided, multiple submitters, no conflicts (2 of 4 stars). 4 submissions from 4 submitters: Benign (1); Likely benign (3). Last evaluated 2026-01-28.

Conditions:
Colorectal cancer, susceptibility to, 12 (CRCS12). Also called: COLORECTAL CANCER, SUSCEPTIBILITY TO, ON CHROMOSOME 12q24. Identifiers: Orphanet 220460, MedGen C3554460, MONDO:0014038, OMIM 615083.
Hereditary cancer-predisposing syndrome. Also called: Neoplastic Syndromes, Hereditary; Tumor predisposition; Hereditary Cancer Syndrome; Hereditary neoplastic syndrome. Identifiers: Orphanet 140162, MedGen C0027672, MeSH D009386, MONDO:0015356.

Allele frequency attached by ClinVar (database versions not stated): ExAC 0.00001; gnomAD 0.00001; gnomAD exomes 0.00001; TOPMed 0.00003; ESP Exome Variant Server 0.00008.
gnomAD v4.1: 4 of 1,614,026 alleles (0.00025%); highest among the groups gnomAD compares: African/African-American, 0.0053%; no homozygotes.

Submissions (4):

Labcorp Genetics (formerly Invitae), Labcorp
Classification: Likely benign. Last evaluated: 2026-01-28. Review status: criteria provided, single submitter. Criteria: Invitae Variant Classification Sherloc (09022015). Collection method: clinical testing. Allele origin: germline.

Myriad Genetics, Inc.
Classification: Benign for Colorectal cancer, susceptibility to, 12. Last evaluated: 2025-02-10. Review status: criteria provided, single submitter. Criteria: Myriad Autosomal Dominant, Autosomal Recessive and X-Linked Classification Criteria (2023). Collection method: clinical testing. Allele origin: unknown.
Comment: This variant is considered benign. This variant is a silent/synonymous amino acid change and it is not expected to impact splicing.

GeneDx
Classification: Likely benign. Last evaluated: 2020-09-21. Review status: criteria provided, single submitter. Criteria: GeneDx Variant Classification Process June 2021. Collection method: clinical testing. Allele origin: germline. Affected: yes.

Ambry Genetics
Classification: Likely benign for Hereditary cancer-predisposing syndrome. Last evaluated: 2016-01-07. Review status: criteria provided, single submitter. Criteria: Ambry Variant Classification Scheme 2023. Collection method: clinical testing. Allele origin: germline.